The following is an entry in ClinVar:

ClinVar aggregate classification (germline): Benign. Review status: criteria provided, multiple submitters, no conflicts (2 of 4 stars). 5 submissions from 5 submitters: Benign (5). Last evaluated 2026-02-04.

Conditions:
Methylmalonic acidemia with homocystinuria, type cblJ (MAHCJ). Also called: METHYLMALONIC ACIDURIA AND HOMOCYSTINURIA, cblJ TYPE. Identifiers: Orphanet 369955, MedGen C3553915, MONDO:0013925, OMIM 614857.

Allele frequency attached by ClinVar (database versions not stated): 1000 Genomes Project 0.00919; 1000 Genomes Project 30x 0.00953; TOPMed 0.01936; ESP Exome Variant Server 0.01961.
gnomAD v4.1: 38,916 of 1,614,040 alleles (2.4%); highest among the groups gnomAD compares: Non-Finnish European, 2.9%; 555 homozygotes.

Submissions (5):

Labcorp Genetics (formerly Invitae), Labcorp
Classification: Benign for Methylmalonic acidemia with homocystinuria, type cblJ. Last evaluated: 2026-02-04. Review status: criteria provided, single submitter. Criteria: Invitae Variant Classification Sherloc (09022015). Collection method: clinical testing. Allele origin: germline.

ARUP Laboratories, Molecular Genetics and Genomics, ARUP Laboratories
Classification: Benign for Methylmalonic acidemia with homocystinuria, type cblJ. Last evaluated: 2025-01-29. Review status: criteria provided, single submitter. Criteria: ARUP Molecular Germline Variant Investigation Process 2024. Collection method: clinical testing. Allele origin: germline.

Mayo Clinic Laboratories, Mayo Clinic
Classification: Benign. Last evaluated: 2021-07-16. Review status: criteria provided, single submitter. Criteria: ACMG Guidelines, 2015. Collection method: clinical testing. Allele origin: germline. Observed: 5 variant alleles.

GeneDx
Classification: Benign. Last evaluated: 2016-01-21. Review status: criteria provided, single submitter. Criteria: GeneDx Variant Classification (06012015). Collection method: clinical testing. Allele origin: germline. Affected: yes.
Comment: This variant is considered likely benign or benign based on one or more of the following criteria: it is a conservative change, it occurs at a poorly conserved position in the protein, it is predicted to be benign by multiple in silico algorithms, and/or has population frequency not consistent with disease.

Breakthrough Genomics
Classification: Benign. Review status: criteria provided, single submitter. Criteria: ACMG Guidelines, 2015. Collection method: not provided. Allele origin: germline. Inheritance: Autosomal recessive inheritance. Affected: yes.

NM_005050.4(ABCD4):c.1049C>G (p.Thr350Arg)

Gene: ABCD4 (ATP binding cassette subfamily D member 4; minus strand). Cytogenetic location: 14q24.3.
Variant type: single nucleotide variant.
Coding change: c.1049C>G on transcript NM_005050.4 (MANE Select); coding-DNA position 1049, C replaced by G.
Protein change: p.Thr350Arg; replaces threonine 350 with arginine.
Molecular consequence: missense variant. On other transcripts: non-coding transcript variant (10).
Genome position (GRCh38, 1-based): chr14:74,292,356, G>C on the plus strand (C>G on the coding strand, the complement: ABCD4 is on the minus strand). VCF-style: chr14-74292356-G-C. GRCh37 (hg19) VCF-style: chr14-74759059-G-C.
Other names: p.Thr350Arg; c.923C>G, p.Thr308Arg (NM_001353591.2, NM_001353592.2); c.788C>G, p.Thr263Arg (NM_001353593.2); c.737C>G, p.Thr246Arg (NM_001353594.2); c.635C>G, p.Thr212Arg (NM_001353595.2, NM_001353596.2); c.584C>G, p.Thr195Arg (NM_001353597.2); c.572C>G, p.Thr191Arg (NM_001353598.2, NM_001353599.2, NM_001353600.2 and 2 more transcripts); c.260C>G, p.Thr87Arg (NM_001353602.2, NM_001353603.2, NM_001353604.2 and 6 more transcripts); and 1 more; short protein forms T350R, T195R, T212R, T191R, T263R, T308R, T246R, T87R.
Identifiers: ClinVar variation 380512 (VCV000380512.23), dbSNP rs35073715, ClinGen allele CA7266948.